The following is an entry in ClinVar:

NM_001386298.1(CIC):c.6385G>C (p.Glu2129Gln)

Gene: CIC (capicua transcriptional repressor; plus strand). Cytogenetic location: 19q13.2.
Variant type: single nucleotide variant.
Coding change: c.6385G>C on transcript NM_001386298.1 (MANE Select); coding-DNA position 6385, G replaced by C.
Protein change: p.Glu2129Gln; replaces glutamic acid 2129 with glutamine.
Molecular consequence: missense variant.
Genome position (GRCh38, 1-based): chr19:42,293,144, G>C. VCF-style: chr19-42293144-G-C. GRCh37 (hg19) VCF-style: chr19-42797296-G-C.
Other names: c.6385G>C, p.Glu2129Gln (NM_001304815.2, NM_001379482.1); c.6382G>C, p.Glu2128Gln (NM_001379480.1); c.3658G>C, p.Glu1220Gln (NM_001379484.1, NM_001379485.1, NM_015125.5); short protein forms E1220Q, E2129Q, E2128Q.
Identifiers: ClinVar variation 133913 (VCV000133913.1), dbSNP rs587778204, ClinGen allele CA158144.
Genomic context (GRCh38, chr19:42,293,144, plus strand): 5'-CCTGGCCCTGCACCCCGGCAGCCTCTGGAGCCTGGCCCAGTCCGAGAGCCAACTGCCCCA[G>C]AGTCTGAGCTTGAGGGGCAGCCCACACCACCAGCCCCTCCACCCCTGCCAGAGACCTGGA-3'
Protein context (NP_001373227.1, residues 2119-2139): PGPVREPTAP[Glu2129Gln]SELEGQPTPP

ClinVar aggregate classification (germline): not provided (0 of 4 stars; one submission).

Submission:

ITMI
No classification provided. Condition: AllHighlyPenetrant. Last evaluated: 2013-09-19. Review status: no classification provided. Collection method: reference population. Allele origin: germline.
Comment: Please see associated publication for description of ethnicities

Literature cited by the submitters: PubMed 24728327.